The following is an entry in ClinVar:

ClinVar aggregate classification (germline): Pathogenic (0 of 4 stars; one submission).

Conditions:
Fanconi anemia complementation group A (FANCA). Also called: FANCA-Related Fanconi Anemia; Fanconi anemia, group A. Identifiers: Orphanet 84, MedGen C3469521, MONDO:0009215, OMIM 227650.

Submission:

Fulgent Genetics
Classification: Pathogenic for Fanconi anemia complementation group A. Review status: no assertion criteria provided. Collection method: clinical testing. Allele origin: unknown.
Comment: This variant has been detected in individual(s) who were sent for testing of Renasight - kidney gene panel.

GRCh37/hg19 16q24.3(chr16:89620873-89881041)

Genes: ZNF276 (zinc finger protein 276; plus strand), DPEP1 (dipeptidase 1; plus strand), VPS9D1 (VPS9 domain containing 1; minus strand), FANCA (FA complementation group A; minus strand), CDK10 (cyclin dependent kinase 10; plus strand) and 6 more. Cytogenetic location: 16q24.3.
Variant type: copy number loss.
Identifiers: ClinVar variation 1179109 (VCV001179109.2).